The following is an entry in ClinVar:

ClinVar aggregate classification (germline): Likely benign. Review status: criteria provided, multiple submitters, no conflicts (2 of 4 stars). 3 submissions from 3 submitters: Likely benign (3). Last evaluated 2025-10-13.

Allele frequency attached by ClinVar (database versions not stated): ESP Exome Variant Server 0.00023; TOPMed 0.00029.
gnomAD v4.1: 451 of 1,607,902 alleles (0.028%); highest among the groups gnomAD compares: Middle Eastern, 0.017%; 2 homozygotes.

Submissions (3):

Labcorp Genetics (formerly Invitae), Labcorp
Classification: Likely benign. Last evaluated: 2025-10-13. Review status: criteria provided, single submitter. Criteria: Invitae Variant Classification Sherloc (09022015). Collection method: clinical testing. Allele origin: germline.

Blueprint Genetics
Classification: Likely benign. Last evaluated: 2024-11-21. Review status: criteria provided, single submitter. Criteria: ACMG Guidelines, 2015. Collection method: clinical testing. Allele origin: germline.

CeGaT Center for Human Genetics Tuebingen
Classification: Likely benign. Last evaluated: 2022-11-01. Review status: criteria provided, single submitter. Criteria: CeGaT Center For Human Genetics Tuebingen Variant Classification Criteria Version 2. Collection method: clinical testing. Allele origin: germline. Affected: yes. Observed: 1 variant allele.
Comment: MRPL44: BP4, BP7

NM_022915.5(MRPL44):c.192G>T (p.Pro64=)

Gene: MRPL44 (mitochondrial ribosomal protein L44; plus strand). Cytogenetic location: 2q36.1.
Variant type: single nucleotide variant.
Coding change: c.192G>T on transcript NM_022915.5 (MANE Select); coding-DNA position 192, G replaced by T.
Protein change: p.Pro64=; no amino-acid change (proline 64 retained).
Molecular consequence: synonymous variant.
Genome position (GRCh38, 1-based): chr2:223,959,546, G>T. VCF-style: chr2-223959546-G-T. GRCh37 (hg19) VCF-style: chr2-224824263-G-T.
Identifiers: ClinVar variation 704555 (VCV000704555.38), dbSNP rs144375387, ClinGen allele CA2139012.
Genomic context (GRCh38, chr2:223,959,546, plus strand): 5'-GTAACAGGTTGTTCTCTTTACCATCTCTTACTGTCTTTACATTTTCAGTTCAGAGAAGCC[G>T]AACTGGGATTACCATGCAGAAATACAAGCTTTTGGACATCGGTTACAGGAAAACTTTTCC-3'
Protein context (NP_075066.1, residues 54-74): PPPPVRRSEK[Pro64=]NWDYHAEIQA